The following is an entry in ClinVar:

NM_015488.5(PNKD):c.129C>A (p.Ser43Arg)

Gene: PNKD (PNKD metallo-beta-lactamase domain containing; plus strand). Cytogenetic location: 2q35.
Variant type: single nucleotide variant.
Coding change: c.129C>A on transcript NM_015488.5 (MANE Select); coding-DNA position 129, C replaced by A.
Protein change: p.Ser43Arg; replaces serine 43 with arginine.
Molecular consequence: missense variant.
Genome position (GRCh38, 1-based): chr2:218,271,442, C>A. VCF-style: chr2-218271442-C-A. GRCh37 (hg19) VCF-style: chr2-219136165-C-A.
Other names: c.129C>A (NM_015488.4); c.129C>A, p.Ser43Arg (NM_001077399.3); short protein forms S43R.
Identifiers: ClinVar variation 2096561 (VCV002096561.5), dbSNP rs199629886, ClinGen allele CA350544699.
Genomic context (GRCh38, chr2:218,271,442, plus strand): 5'-GATTCTCGCAGGAGCCACAGCTAACAAGGCTTCTCATAACAGGACCCGGGCCCTGCAAAG[C>A]CACAGCTCCCCAGAGGGCAAGGAGGAACCTGAACCCCTATCCCCGGAGCTGGAATACATT-3'
Protein context (NP_056303.3, residues 33-53): ASHNRTRALQ[Ser43Arg]HSSPEGKEEP

ClinVar aggregate classification (germline): Uncertain significance. Review status: criteria provided, multiple submitters, no conflicts (2 of 4 stars). 2 submissions from 2 submitters: Uncertain significance (2). Last evaluated 2025-01-21.

Conditions:
Paroxysmal nonkinesigenic dyskinesia. Also called: Paroxysmal non-kinesigenic dyskinesia. Identifiers: Orphanet 98810, MedGen C1869117, MONDO:0700088.

Submissions (2):

GeneDx
Classification: Uncertain significance. Last evaluated: 2025-01-21. Review status: criteria provided, single submitter. Criteria: GeneDx Variant Classification Process June 2021. Collection method: clinical testing. Allele origin: germline. Affected: yes.
Comment: Not observed at significant frequency in large population cohorts (gnomAD); In silico analysis indicates that this missense variant does not alter protein structure/function; Has not been previously published as pathogenic or benign to our knowledge

Labcorp Genetics (formerly Invitae), Labcorp
Classification: Uncertain significance for Paroxysmal nonkinesigenic dyskinesia. Last evaluated: 2024-02-24. Review status: criteria provided, single submitter. Criteria: Invitae Variant Classification Sherloc (09022015). Collection method: clinical testing. Allele origin: germline.
Comment: This sequence change replaces serine, which is neutral and polar, with arginine, which is basic and polar, at codon 43 of the PNKD protein (p.Ser43Arg). This variant is not present in population databases (gnomAD no frequency). This variant has not been reported in the literature in individuals affected with PNKD-related conditions. ClinVar contains an entry for this variant (Variation ID: 2096561). An algorithm developed to predict the effect of missense changes on protein structure and function (PolyPhen-2) suggests that this variant is likely to be tolerated. In summary, the available evidence is currently insufficient to determine the role of this variant in disease. Therefore, it has been classified as a Variant of Uncertain Significance.